The following is an entry in ClinVar:

ClinVar aggregate classification (germline): Likely benign (1 of 4 stars; one submission).

gnomAD v4.1: 27 of 1,209,664 alleles (0.0022%); highest among the groups gnomAD compares: Admixed American, 0.057%; no homozygotes.

Submission:

CeGaT Center for Human Genetics Tuebingen
Classification: Likely benign. Last evaluated: 2025-08-01. Review status: criteria provided, single submitter. Criteria: CeGaT Center For Human Genetics Tuebingen Variant Classification Criteria Version 2. Collection method: clinical testing. Allele origin: germline. Affected: yes. Observed: 1 variant allele.
Comment: SSX1: BS2

NM_005635.4(SSX1):c.397C>T (p.Gln133Ter)

Gene: SSX1 (SSX family member 1; plus strand). Cytogenetic location: Xp11.23.
Variant type: single nucleotide variant.
Coding change: c.397C>T on transcript NM_005635.4 (MANE Select); coding-DNA position 397, C replaced by T.
Protein change: p.Gln133Ter; replaces glutamine 133 with a stop codon.
Molecular consequence: nonsense.
Genome position (GRCh38, 1-based): chrX:48,263,848, C>T. VCF-style: chrX-48263848-C-T. GRCh37 (hg19) VCF-style: chrX-48123283-C-T.
Other names: c.397C>T, p.Gln133Ter (NM_001278691.2); short protein forms Q133*.
Identifiers: ClinVar variation 4084861 (VCV004084861.8).